The following is an entry in ClinVar:

ClinVar aggregate classification (germline): Uncertain significance (1 of 4 stars; one submission).

Conditions:
Kleefstra syndrome 2 (KLEFS2). Identifiers: MedGen C4540395, MONDO:0054701, OMIM 617768.

Allele frequency attached by ClinVar (database versions not stated): gnomAD exomes below 0.00001.
gnomAD v4.1: 1 of 1,614,122 alleles (0.000062%); highest among the groups gnomAD compares: Non-Finnish European, 0.000085%; no homozygotes.

Submission:

Victorian Clinical Genetics Services, Murdoch Childrens Research Institute
Classification: Uncertain significance for Kleefstra syndrome 2. Last evaluated: 2022-09-02. Review status: criteria provided, single submitter. Criteria: ACMG Guidelines, 2015. Collection method: clinical testing. Allele origin: germline. Inheritance: Autosomal dominant inheritance. Affected: yes.
Comment: Based on the classification scheme VCGS_Germline_v1.3.4, this variant is classified as VUS-3B. Following criteria are met: 0102 - Loss of function is a known mechanism of disease in this gene and is associated with Kleefstra syndrome 2 (MIM#617768). (I) 0107 - This gene is associated with autosomal dominant disease. (I) 0200 - Variant is predicted to result in a missense amino acid change from threonine to isoleucine. (I) 0251 - This variant is heterozygous. (I) 0301 - Variant is absent from gnomAD (both v2 and v3). (SP) 0501 - Missense variant consistently predicted to be damaging by multiple in silico tools or highly conserved with a major amino acid change. (SP) 0604 - Variant is not located in an established domain, motif, hotspot or informative constraint region. (I) 0705 - No comparable missense variants have previous evidence for pathogenicity. (I) 0807 - This variant has no previous evidence of pathogenicity. (I) 0905 - No published segregation evidence has been identified for this variant. (I) 1007 - No published functional evidence has been identified for this variant. (I) 1207 - Parental origin of the variant is unresolved. (I) Legend: (SP) - Supporting pathogenic, (I) - Information, (SB) - Supporting benign

NM_170606.3(KMT2C):c.11720C>T (p.Thr3907Ile)

Gene: KMT2C (lysine methyltransferase 2C; minus strand). Cytogenetic location: 7q36.1.
Variant type: single nucleotide variant.
Coding change: c.11720C>T on transcript NM_170606.3 (MANE Select); coding-DNA position 11720, C replaced by T.
Protein change: p.Thr3907Ile; replaces threonine 3907 with isoleucine.
Molecular consequence: missense variant.
Genome position (GRCh38, 1-based): chr7:152,156,297, G>A on the plus strand (C>T on the coding strand, the complement: KMT2C is on the minus strand). VCF-style: chr7-152156297-G-A. GRCh37 (hg19) VCF-style: chr7-151853382-G-A.
Other names: short protein forms T3907I.
Identifiers: ClinVar variation 1699431 (VCV001699431.3), dbSNP rs2129099844, ClinGen allele CA370098248.